The following is an entry in ClinVar:

ClinVar aggregate classification (germline): Uncertain significance. Review status: criteria provided, multiple submitters, no conflicts (2 of 4 stars). 2 submissions from 2 submitters: Uncertain significance (2). Last evaluated 2025-03-30.

Conditions:
Inborn genetic diseases. Identifiers: MedGen C0950123, MeSH D030342.

Allele frequency attached by ClinVar (database versions not stated): gnomAD exomes below 0.00001; TOPMed 0.00001.
gnomAD v4.1: 3 of 1,613,818 alleles (0.00019%); highest among the groups gnomAD compares: African/African-American, 0.0027%; no homozygotes.

Submissions (2):

Ambry Genetics
Classification: Uncertain significance for Inborn genetic diseases. Last evaluated: 2025-03-30. Review status: criteria provided, single submitter. Criteria: Ambry Variant Classification Scheme 2023. Collection method: clinical testing. Allele origin: germline.

Labcorp Genetics (formerly Invitae), Labcorp
Classification: Uncertain significance. Last evaluated: 2024-08-30. Review status: criteria provided, single submitter. Criteria: Invitae Variant Classification Sherloc (09022015). Collection method: clinical testing. Allele origin: germline.
Comment: This sequence change replaces arginine, which is basic and polar, with glutamine, which is neutral and polar, at codon 275 of the WNK4 protein (p.Arg275Gln). This variant is not present in population databases (gnomAD no frequency). This variant has not been reported in the literature in individuals affected with WNK4-related conditions. Invitae Evidence Modeling of protein sequence and biophysical properties (such as structural, functional, and spatial information, amino acid conservation, physicochemical variation, residue mobility, and thermodynamic stability) indicates that this missense variant is not expected to disrupt WNK4 protein function with a negative predictive value of 95%. In summary, the available evidence is currently insufficient to determine the role of this variant in disease. Therefore, it has been classified as a Variant of Uncertain Significance.

NM_032387.5(WNK4):c.824G>A (p.Arg275Gln)

Genes: WNK4 (WNK lysine deficient protein kinase 4; plus strand), LOC126862568 (CDK7 strongly-dependent group 2 enhancer GRCh37_chr17:40934948-40936147; plus strand). Cytogenetic location: 17q21.2.
Variant type: single nucleotide variant.
Coding change: c.824G>A on transcript NM_032387.5 (MANE Select); coding-DNA position 824, G replaced by A.
Protein change: p.Arg275Gln; replaces arginine 275 with glutamine.
Molecular consequence: missense variant. On other transcripts: 5 prime UTR variant (1).
Genome position (GRCh38, 1-based): chr17:42,783,969, G>A. VCF-style: chr17-42783969-G-A. GRCh37 (hg19) VCF-style: chr17-40935987-G-A.
Other names: c.-96G>A (NM_001321299.2); c.824G>A (NM_032387.4); short protein forms R275Q.
Identifiers: ClinVar variation 2812939 (VCV002812939.4), dbSNP rs2054513226, ClinGen allele CA399649127.